The following is an entry in ClinVar:

NM_000083.3(CLCN1):c.214A>G (p.Arg72Gly)

Gene: CLCN1 (chloride voltage-gated channel 1; plus strand). Cytogenetic location: 7q34.
Variant type: single nucleotide variant.
Coding change: c.214A>G on transcript NM_000083.3 (MANE Select); coding-DNA position 214, A replaced by G.
Protein change: p.Arg72Gly; replaces arginine 72 with glycine.
Molecular consequence: missense variant. On other transcripts: non-coding transcript variant (1).
Genome position (GRCh38, 1-based): chr7:143,319,788, A>G. VCF-style: chr7-143319788-A-G. GRCh37 (hg19) VCF-style: chr7-143016881-A-G.
Other names: short protein forms R72G.
Identifiers: ClinVar variation 1489617 (VCV001489617.5), dbSNP rs1219415384, ClinGen allele CA369679099.

ClinVar aggregate classification (germline): Uncertain significance (1 of 4 stars; one submission).

Conditions:
Congenital myotonia, autosomal recessive form. Also called: Becker Generalized Myotonia; BECKER DISEASE; myotonia congenita, autosomal recessive. Identifiers: Orphanet 614, MedGen C0751360, MONDO:0009715, OMIM 255700.
Congenital myotonia, autosomal dominant form (THD). Also called: THOMSEN DISEASE; Myotonia congenita autosomal dominant. Identifiers: Orphanet 614, MedGen C2936781, MONDO:0008055, OMIM 160800.

Allele frequency attached by ClinVar (database versions not stated): gnomAD exomes below 0.00001.

Submission:

Labcorp Genetics (formerly Invitae), Labcorp
Classification: Uncertain significance for Congenital myotonia, autosomal recessive form; Congenital myotonia, autosomal dominant form. Last evaluated: 2021-09-01. Review status: criteria provided, single submitter. Criteria: Invitae Variant Classification Sherloc (09022015). Collection method: clinical testing. Allele origin: germline.
Comment: This sequence change replaces arginine with glycine at codon 72 of the CLCN1 protein (p.Arg72Gly). The arginine residue is weakly conserved and there is a moderate physicochemical difference between arginine and glycine. This variant is not present in population databases (ExAC no frequency). This variant has not been reported in the literature in individuals affected with CLCN1-related conditions. Advanced modeling of protein sequence and biophysical properties (such as structural, functional, and spatial information, amino acid conservation, physicochemical variation, residue mobility, and thermodynamic stability) performed at Invitae indicates that this missense variant is not expected to disrupt CLCN1 protein function. In summary, the available evidence is currently insufficient to determine the role of this variant in disease. Therefore, it has been classified as a Variant of Uncertain Significance.